The following is an entry in ClinVar:

NM_000038.6(APC):c.4060delinsAA (p.Phe1354fs)

Gene: APC (APC regulator of Wnt signaling pathway; plus strand). Cytogenetic location: 5q22.2.
Variant type: Indel.
Coding change: c.4060delinsAA on transcript NM_000038.6 (MANE Select); coding-DNA position 4060, T replaced by AA.
Protein change: p.Phe1354fs; shifts the reading frame from phenylalanine 1354.
Molecular consequence: frameshift variant.
Genome position (GRCh38, 1-based): chr5:112,839,654, T replaced by AA. VCF-style: chr5-112839654-T-AA. GRCh37 (hg19) VCF-style: chr5-112175351-T-AA.
Other names: c.4060delinsAA, p.Phe1354fs (NM_001127510.3, NM_001354895.2); c.4006delinsAA, p.Phe1336fs (NM_001127511.3); c.4114delinsAA, p.Phe1372fs (NM_001354896.2); c.4090delinsAA, p.Phe1364fs (NM_001354897.2); c.3985delinsAA, p.Phe1329fs (NM_001354898.2); c.3976delinsAA, p.Phe1326fs (NM_001354899.2); c.3937delinsAA, p.Phe1313fs (NM_001354900.2); c.3883delinsAA, p.Phe1295fs (NM_001354901.2); and 5 more; short protein forms F1194fs, F1329fs, F1336fs, F1372fs, F1071fs, F1326fs, F1354fs, F1313fs.
Identifiers: ClinVar variation 433657 (VCV000433657.2), dbSNP rs1554085479, ClinGen allele CA645372793.

ClinVar aggregate classification (germline): Pathogenic (0 of 4 stars; one submission).

Conditions:
Carcinoma of colon (CRC). Also called: Colon carcinoma; Colonic carcinoma. Identifiers: MedGen C0699790, MONDO:0002032.

Submission:

Department of Pathology and Laboratory Medicine, Sinai Health System
Classification: Pathogenic for Carcinoma of colon. Review status: no assertion criteria provided. Collection method: clinical testing. Allele origin: unknown. Affected: yes. Study: The Canadian Open Genetics Repository (COGR).
Comment: The APC, p.Phe1354AsnfsX21 variant was not identified in the literature nor was it identified in the dbSNP, NHLBI Exome Sequencing Project (Exome Variant Server), Exome Aggregation Consortium (ExAC) database, HGMD, COSMIC, MutDB, â€šÃ„ÃºMismatch Repair Genes Variant Databaseâ€šÃ„Ã¹, â€šÃ„ÃºMMR Gene Unclassified Variants Databaseâ€šÃ„Ã¹, InSiGHT Colon Cancer Gene Variant Database, â€šÃ„ÃºZhejiang Colon Cancer Databaseâ€šÃ„Ã¹, the ClinVar database, GeneInsight VariantWire database and UMD databases. The variant occurs outside of the splicing consensus sequence and 3 of 5 in silico or computational prediction software programs (SpliceSiteFinder, MaxEntScan, NNSPLICE, GeneSplicer, HumanSpliceFinder) predict a greater than 10% difference in splicing. However, this information is not predictive enough to assume pathogenicity. The p.Phe1354AsnfsX21 deletion/insertion variant is predicted to cause a frameshift, which alters the protein's amino acid sequence beginning at codon 1354 and leads to a premature stop codon 21 codons downstream. This alteration is then predicted to result in a truncated or absent protein and loss of function. Loss of function variants of the APC gene are an established mechanism of disease in familial adenomatous polyposis and is the type of variant expected to cause the disorder. In summary, based on the above information, this variant meets our laboratoryâ€šÃ„Ã´s criteria to be classified as pathogenic.